The following is an entry in ClinVar:

NM_000718.4(CACNA1B):c.4391C>T (p.Thr1464Met)

Gene: CACNA1B (calcium voltage-gated channel subunit alpha1 B; plus strand). Cytogenetic location: 9q34.3.
Variant type: single nucleotide variant.
Coding change: c.4391C>T on transcript NM_000718.4 (MANE Select); coding-DNA position 4391, C replaced by T.
Protein change: p.Thr1464Met; replaces threonine 1464 with methionine.
Molecular consequence: missense variant.
Genome position (GRCh38, 1-based): chr9:138,058,651, C>T. VCF-style: chr9-138058651-C-T. GRCh37 (hg19) VCF-style: chr9-140953103-C-T.
Other names: c.4391C>T, p.Thr1464Met (NM_001243812.2); short protein forms T1464M.
Identifiers: ClinVar variation 2416899 (VCV002416899.4), dbSNP rs769202155, ClinGen allele CA5376975.
Genomic context (GRCh38, chr9:138,058,651, plus strand): 5'-TCAGCGCCAAACCCCTGACACGGTACATGCCCCAAAACCGGCAGTCGTTCCAGTATAAGA[C>T]GTGGACATTTGTGGTCTCCCCGCCCTTTGAATACTTCATCATGGCCATGATAGCCCTCAA-3'
Protein context (NP_000709.1, residues 1454-1474): PQNRQSFQYK[Thr1464Met]WTFVVSPPFE

ClinVar aggregate classification (germline): Uncertain significance (1 of 4 stars; one submission).

Allele frequency attached by ClinVar (database versions not stated): TOPMed below 0.00001; ExAC 0.00001; gnomAD exomes 0.00001.
gnomAD v4.1: 8 of 1,613,560 alleles (0.0005%); highest among the groups gnomAD compares: East Asian, 0.0022%; no homozygotes.

Submission:

Labcorp Genetics (formerly Invitae), Labcorp
Classification: Uncertain significance. Last evaluated: 2026-02-02. Review status: criteria provided, single submitter. Criteria: Invitae Variant Classification Sherloc (09022015). Collection method: clinical testing. Allele origin: germline.
Comment: This sequence change replaces threonine, which is neutral and polar, with methionine, which is neutral and non-polar, at codon 1464 of the CACNA1B protein (p.Thr1464Met). This variant is present in population databases (rs769202155, gnomAD 0.006%). This variant has not been reported in the literature in individuals affected with CACNA1B-related conditions. ClinVar contains an entry for this variant (Variation ID: 2416899). An algorithm developed to predict the effect of missense changes on protein structure and function (PolyPhen-2) suggests that this variant is likely to be tolerated. In summary, the available evidence is currently insufficient to determine the role of this variant in disease. Therefore, it has been classified as a Variant of Uncertain Significance.